The following is an entry in ClinVar:

ClinVar aggregate classification (germline): Uncertain significance (1 of 4 stars; one submission).

Conditions:
Hereditary cancer-predisposing syndrome. Also called: Tumor predisposition; Hereditary neoplastic syndrome; Hereditary Cancer Syndrome; Neoplastic Syndromes, Hereditary. Identifiers: Orphanet 140162, MedGen C0027672, MeSH D009386, MONDO:0015356.

Submission:

Ambry Genetics
Classification: Uncertain significance for Hereditary cancer-predisposing syndrome. Last evaluated: 2024-01-05. Review status: criteria provided, single submitter. Criteria: Ambry Variant Classification Scheme 2023. Collection method: clinical testing. Allele origin: germline.
Comment: The c.712dupA variant, located in coding exon 3 of the XRCC2 gene, results from a duplication of A at nucleotide position 712, causing a translational frameshift with a predicted alternate stop codon (p.R238Kfs*9). This alteration occurs at the 3' terminus of theXRCC2 gene, is not expected to trigger nonsense-mediated mRNAdecay, and only impacts the last 43 amino acids of the protein. The exact functional effect of this alteration is unknown. Since supporting evidence is limited at this time, the clinical significance of this alteration remains unclear.

NM_005431.2(XRCC2):c.712dup (p.Arg238fs)

Gene: XRCC2 (X-ray repair cross complementing 2; minus strand). Cytogenetic location: 7q36.1.
Variant type: Duplication.
Coding change: c.712dup on transcript NM_005431.2 (MANE Select); coding-DNA position 712, one base duplicated (A; older notation c.712dupA).
Protein change: p.Arg238fs; shifts the reading frame from arginine 238.
Molecular consequence: frameshift variant.
Genome position (GRCh38, 1-based): chr7:152,648,773, T duplicated on the plus strand (A on the coding strand, the reverse complement: XRCC2 is on the minus strand). VCF-style (leftmost placement, unchanged base first): chr7-152648772-C-CT. GRCh37 (hg19) VCF-style: chr7-152345857-C-CT.
Other names: short protein forms R238fs.
Identifiers: ClinVar variation 3224693 (VCV003224693.1), dbSNP rs2485880434, ClinGen allele CA2825001567.
Genomic context (GRCh38, chr7:152,648,772, plus strand): 5'-CGTGAAACTAATGAAAATTGGTTGCTGCTTTGAGAATCATCTTGTTTGGAGAAAAACATC[C>CT]TGTGCTTCACCAGTTGCTGCCATGCCTTACAGAGATAAGGTCTGTAGTCTATGTCCACAT-3'